The following is an entry in ClinVar:

ClinVar aggregate classification (germline): Uncertain significance (1 of 4 stars; one submission).

Conditions:
Beckwith-Wiedemann syndrome (BWS). Also called: EMG SYNDROME; Exomphalos macroglossia gigantism syndrome. Identifiers: Orphanet 116, MedGen C0004903, MONDO:0007534, OMIM 130650.

Submission:

Labcorp Genetics (formerly Invitae), Labcorp
Classification: Uncertain significance for Beckwith-Wiedemann syndrome. Last evaluated: 2022-09-01. Review status: criteria provided, single submitter. Criteria: Invitae Variant Classification Sherloc (09022015). Collection method: clinical testing. Allele origin: germline.
Comment: In summary, the available evidence is currently insufficient to determine the role of this variant in disease. Therefore, it has been classified as a Variant of Uncertain Significance. Algorithms developed to predict the effect of missense changes on protein structure and function output the following: SIFT: "Tolerated"; PolyPhen-2: "Not Available"; Align-GVGD: "Class C0". The valine amino acid residue is found in multiple mammalian species, which suggests that this missense change does not adversely affect protein function. ClinVar contains an entry for this variant (Variation ID: 1016829). This variant has not been reported in the literature in individuals affected with CDKN1C-related conditions. The frequency data for this variant in the population databases is considered unreliable, as metrics indicate insufficient coverage at this position in the gnomAD database. This sequence change replaces alanine, which is neutral and non-polar, with valine, which is neutral and non-polar, at codon 209 of the CDKN1C protein (p.Ala209Val).

NM_001122630.2(CDKN1C):c.593C>T (p.Ala198Val)

Gene: CDKN1C (cyclin dependent kinase inhibitor 1C; minus strand). Cytogenetic location: 11p15.4.
Variant type: single nucleotide variant.
Coding change: c.593C>T on transcript NM_001122630.2 (MANE Select); coding-DNA position 593, C replaced by T.
Protein change: p.Ala198Val; replaces alanine 198 with valine.
Molecular consequence: missense variant. On other transcripts: intron variant (1).
Genome position (GRCh38, 1-based): chr11:2,884,864, G>A on the plus strand (C>T on the coding strand, the complement: CDKN1C is on the minus strand). VCF-style: chr11-2884864-G-A. GRCh37 (hg19) VCF-style: chr11-2906094-G-A.
Other names: c.626C>T, p.Ala209Val (NM_000076.2, NM_001362474.2); c.593C>T, p.Ala198Val (NM_001122631.2); c.255+338C>T (NM_001362475.2); short protein forms A198V, A209V.
Identifiers: ClinVar variation 1016829 (VCV001016829.8), dbSNP rs1564929680, ClinGen allele CA379146236.